The following is an entry in ClinVar:

NM_152419.3(HGSNAT):c.1449del (p.Phe484_Leu485insTer)

Gene: HGSNAT (heparan-alpha-glucosaminide N-acetyltransferase; plus strand). Cytogenetic location: 8p11.21.
Variant type: Deletion.
Coding change: c.1449del on transcript NM_152419.3 (MANE Select); coding-DNA position 1449, one base deleted (C; older notation c.1449delC).
Protein change: p.Phe484_Leu485insTer.
Molecular consequence: frameshift variant.
Genome position (GRCh38, 1-based): chr8:43,193,828, C deleted; the last of 2 consecutive C bases (chr8:43,193,827-43,193,828); deleting either gives the same sequence. VCF-style (leftmost placement, unchanged base first): chr8-43193826-GC-G. GRCh37 (hg19) VCF-style: chr8-43048969-GC-G.
Other names: c.1449del, p.Phe484_Leu485insTer (NM_001363227.2); c.1257del, p.Phe420_Leu421insTer (NM_001363228.2); c.585del, p.Phe196_Leu197insTer (NM_001363229.2).
Identifiers: ClinVar variation 4783869 (VCV004783869.1).

ClinVar aggregate classification (germline): Pathogenic (1 of 4 stars; one submission).

Conditions:
Retinitis pigmentosa 73 (RP73). Identifiers: Orphanet 791, MedGen C4225287, MONDO:0014687, OMIM 616544.
Mucopolysaccharidosis, MPS-III-C (MPS3C). Also called: MPS IIIC (Sanfilippo Syndrome Type C); SANFILIPPO SYNDROME C; MPS III C; Mucopolysaccharidosis type IIIC (Sanfilippo C); MUCOPOLYSACCHARIDOSIS, TYPE IIIC; mucopolysaccharidosis type 3C. Identifiers: Orphanet 581, Orphanet 79271, MedGen C0086649, MONDO:0009657, OMIM 252930.

Submission:

Labcorp Genetics (formerly Invitae), Labcorp
Classification: Pathogenic for Retinitis pigmentosa 73; Mucopolysaccharidosis, MPS-III-C. Last evaluated: 2025-10-08. Review status: criteria provided, single submitter. Criteria: Invitae Variant Classification Sherloc (09022015). Collection method: clinical testing. Allele origin: germline.
Comment: This sequence change creates a premature translational stop signal (p.Leu485*) in the HGSNAT gene. It is expected to result in an absent or disrupted protein product. Loss-of-function variants in HGSNAT are known to be pathogenic (PMID: 17033958, 19479962, 25859010). This variant is present in population databases (rs769367685, gnomAD 0.0009%). This variant has not been reported in the literature in individuals affected with HGSNAT-related conditions. For these reasons, this variant has been classified as Pathogenic.

Literature cited by the submitters: PubMed 17033958; PubMed 19479962; PubMed 25859010.